The following is an entry in ClinVar:

NM_000458.4(HNF1B):c.1169A>G (p.Asp390Gly)

Gene: HNF1B (HNF1 homeobox B; minus strand). Cytogenetic location: 17q12.
Variant type: single nucleotide variant.
Coding change: c.1169A>G on transcript NM_000458.4 (MANE Select); coding-DNA position 1169, A replaced by G.
Protein change: p.Asp390Gly; replaces aspartic acid 390 with glycine.
Molecular consequence: missense variant.
Genome position (GRCh38, 1-based): chr17:37,710,540, T>C on the plus strand (A>G on the coding strand, the complement: HNF1B is on the minus strand). VCF-style: chr17-37710540-T-C. GRCh37 (hg19) VCF-style: chr17-36070548-T-C.
Other names: c.1091A>G, p.Asp364Gly (NM_001165923.4, NM_001304286.2); c.1169A>G, p.Asp390Gly (NM_001411100.1); short protein forms D364G, D390G.
Identifiers: ClinVar variation 2444128 (VCV002444128.1), dbSNP rs2511723417, ClinGen allele CA398759164.

ClinVar aggregate classification (germline): Uncertain significance (1 of 4 stars; one submission).

Conditions:
Renal cysts and diabetes syndrome (RCAD). Also called: MATURITY-ONSET DIABETES OF THE YOUNG, TYPE 5; Familial hypoplastic, glomerulocystic kidney. Identifiers: Orphanet 93111, MedGen C0431693, MONDO:0007669, OMIM 137920.

Submission:

3billion
Classification: Uncertain significance for Renal cysts and diabetes syndrome. Last evaluated: 2023-02-23. Review status: criteria provided, single submitter. Criteria: ACMG Guidelines, 2015. Collection method: clinical testing. Allele origin: unknown. Affected: yes.
Comment: The variant is not observed in the gnomAD v2.1.1 dataset. In silico tool predictions suggest damaging effect of the variant on gene or gene product (REVEL: 0.80; 3Cnet: 0.55). Therefore, this variant is classified as VUS according to the recommendation of ACMG/AMP guideline.